The following is an entry in ClinVar:

ClinVar aggregate classification (germline): Uncertain significance. Review status: criteria provided, multiple submitters, no conflicts (2 of 4 stars). 3 submissions from 3 submitters: Uncertain significance (3). Last evaluated 2025-11-06.

Conditions:
NEK8-related disorder. Also called: NEK8-related condition.
Renal-hepatic-pancreatic dysplasia 2 (RHPD2). Identifiers: MedGen C3809434, MONDO:0014174, OMIM 615415.
Nephronophthisis 9 (NPHP9). Identifiers: Orphanet 655, MedGen C3151188, MONDO:0013444, OMIM 613824.
Polycystic kidney disease 8. Identifiers: MedGen C5935640, MONDO:0971178, OMIM 620903.

Submissions (3):

PreventionGenetics, part of Exact Sciences
Classification: Uncertain significance for NEK8-related condition. Last evaluated: 2025-11-06. Review status: criteria provided, single submitter. Criteria: ACMG Guidelines, 2015. Collection method: clinical testing. Allele origin: germline.
Comment: The NEK8 c.1823A>G variant is predicted to result in the amino acid substitution p.Gln608Arg. To our knowledge, this variant has not been reported in the literature. This variant is reported in 0.027% of alleles in individuals of East Asian descent in gnomAD. At this time, the clinical significance of this variant is uncertain due to the absence of conclusive functional and genetic evidence.

Fulgent Genetics
Classification: Uncertain significance for Nephronophthisis 9; Renal-hepatic-pancreatic dysplasia 2; Polycystic kidney disease 8. Last evaluated: 2024-05-18. Review status: criteria provided, single submitter. Criteria: ACMG Guidelines, 2015. Collection method: clinical testing. Allele origin: germline.

Blueprint Genetics
Classification: Uncertain significance. Last evaluated: 2018-01-22. Review status: criteria provided, single submitter. Criteria: ACMG Guidelines, 2015. Collection method: clinical testing. Allele origin: germline.

NM_178170.3(NEK8):c.1823A>G (p.Gln608Arg)

Gene: NEK8 (NIMA related kinase 8; plus strand). Cytogenetic location: 17q11.2.
Variant type: single nucleotide variant.
Coding change: c.1823A>G on transcript NM_178170.3 (MANE Select); coding-DNA position 1823, A replaced by G.
Protein change: p.Gln608Arg; replaces glutamine 608 with arginine.
Molecular consequence: missense variant.
Genome position (GRCh38, 1-based): chr17:28,741,168, A>G. VCF-style: chr17-28741168-A-G. GRCh37 (hg19) VCF-style: chr17-27068186-A-G.
Other names: c.1823A>G (NM_178170.2); short protein forms Q608R.
Identifiers: ClinVar variation 3581793 (VCV003581793.3).
Genomic context (GRCh38, chr17:28,741,168, plus strand): 5'-ATCAGCACGGACAGTTGGGCACCAATACTCGCCGAGGCAGTCGGGCACCCTGTAAGGTCC[A>G]AGGCCTTGAGGGCATCAAGATGGCAATGGTAGCCTGTGGGGATGCCTTCACTGTAGCTAT-3'
Protein context (NP_835464.1, residues 598-618): RRGSRAPCKV[Gln608Arg]GLEGIKMAMV